The following is an entry in ClinVar:

ClinVar aggregate classification (germline): Uncertain significance (1 of 4 stars; one submission).

Allele frequency attached by ClinVar (database versions not stated): TOPMed 0.00001.

Submission:

Labcorp Genetics (formerly Invitae), Labcorp
Classification: Uncertain significance. Last evaluated: 2022-06-20. Review status: criteria provided, single submitter. Criteria: Invitae Variant Classification Sherloc (09022015). Collection method: clinical testing. Allele origin: germline.
Comment: In summary, the available evidence is currently insufficient to determine the role of this variant in disease. Therefore, it has been classified as a Variant of Uncertain Significance. Experimental studies and prediction algorithms are not available or were not evaluated, and the functional significance of this variant is currently unknown. This variant has not been reported in the literature in individuals affected with COL18A1-related conditions. This variant is not present in population databases (gnomAD no frequency). This sequence change replaces alanine, which is neutral and non-polar, with aspartic acid, which is acidic and polar, at codon 783 of the COL18A1 protein (p.Ala783Asp).

NM_001379500.1(COL18A1):c.2348C>A (p.Ala783Asp)

Gene: COL18A1 (collagen type XVIII alpha 1 chain; plus strand). Cytogenetic location: 21q22.3.
Variant type: single nucleotide variant.
Coding change: c.2348C>A on transcript NM_001379500.1 (MANE Select); coding-DNA position 2348, C replaced by A.
Protein change: p.Ala783Asp; replaces alanine 783 with aspartic acid.
Molecular consequence: missense variant.
Genome position (GRCh38, 1-based): chr21:45,493,571, C>A. VCF-style: chr21-45493571-C-A. GRCh37 (hg19) VCF-style: chr21-46913485-C-A.
Other names: c.2888C>A, p.Ala963Asp (NM_030582.4); c.3593C>A, p.Ala1198Asp (NM_130444.3); short protein forms A1198D, A783D, A963D.
Identifiers: ClinVar variation 1361630 (VCV001361630.6), dbSNP rs2036432521, ClinGen allele CA410497524.